The following is an entry in ClinVar:

ClinVar aggregate classification (germline): Conflicting classifications of pathogenicity. Review status: criteria provided, conflicting classifications (1 of 4 stars). 2 submissions from 2 submitters: Uncertain significance (1); Likely benign (1). Last evaluated 2023-04-01.

Conditions:
Vascular dilatation. Also called: Aneurysm. Identifiers: MedGen C0002940, HP:0002617.

Allele frequency attached by ClinVar (database versions not stated): 1000 Genomes Project 0.00040; 1000 Genomes Project 30x 0.00047; TOPMed 0.00123; ESP Exome Variant Server 0.00169; gnomAD exomes 0.00211; ExAC 0.00299.
gnomAD v4.1: 3,127 of 1,612,714 alleles (0.19%); highest among the groups gnomAD compares: Non-Finnish European, 0.22%; 6 homozygotes.

Submissions (2):

CeGaT Center for Human Genetics Tuebingen
Classification: Likely benign. Last evaluated: 2023-04-01. Review status: criteria provided, single submitter. Criteria: CeGaT Center For Human Genetics Tuebingen Variant Classification Criteria Version 2. Collection method: clinical testing. Allele origin: germline. Affected: yes. Observed: 5 variant alleles.
Comment: FBN1: BS1

Petrovsky National Research Centre of Surgery, The Federal Agency for Scientific Organizations
Classification: Uncertain significance for Aneurysmal disease. Last evaluated: 2019-08-14. Review status: criteria provided, single submitter. Criteria: ACMG Guidelines, 2015. Collection method: clinical testing. Allele origin: unknown. Inheritance: Autosomal dominant inheritance. Affected: yes. Observed: 1 heterozygote.
Comment: The variant was reported in dbSNP (rs72739819) and was present in population study (ExAC frequency = 0,00299), but they were not found in any clinical studies or researches to our knowledge. Computational resources like Human Splicing Finder, NetGene2 and MutationTaster show a likely benign results. Based on this evidences the NM_000138.4:c.1469-36A>C (g.48513704T>G) is classified as uncertain Significance.

NM_000138.5(FBN1):c.1469-36A>C

Gene: FBN1 (fibrillin 1; minus strand). Cytogenetic location: 15q21.1.
Variant type: single nucleotide variant.
Coding change: c.1469-36A>C on transcript NM_000138.5 (MANE Select); 36 bases into the intron before coding-DNA position 1469, A replaced by C.
Molecular consequence: intron variant.
Genome position (GRCh38, 1-based): chr15:48,513,704, T>G on the plus strand (A>C on the coding strand, the complement: FBN1 is on the minus strand). VCF-style: chr15-48513704-T-G. GRCh37 (hg19) VCF-style: chr15-48805901-T-G.
Identifiers: ClinVar variation 690433 (VCV000690433.31), dbSNP rs72739819, ClinGen allele CA044819.